The following is an entry in ClinVar:

ClinVar aggregate classification (germline): Uncertain significance (1 of 4 stars; one submission).

Conditions:
Peters plus syndrome. Also called: KRAUSE-KIVLIN SYNDROME. Identifiers: Orphanet 709, MedGen C0796012, MONDO:0009856, OMIM 261540.

Submission:

Labcorp Genetics (formerly Invitae), Labcorp
Classification: Uncertain significance for Peters plus syndrome. Last evaluated: 2019-05-25. Review status: criteria provided, single submitter. Criteria: Invitae Variant Classification Sherloc (09022015). Collection method: clinical testing. Allele origin: germline.
Comment: In summary, the available evidence is currently insufficient to determine the role of this variant in disease. Therefore, it has been classified as a Variant of Uncertain Significance. Algorithms developed to predict the effect of missense changes on protein structure and function (SIFT, PolyPhen-2, Align-GVGD) all suggest that this variant is likely to be disruptive, but these predictions have not been confirmed by published functional studies and their clinical significance is uncertain. This variant has not been reported in the literature in individuals with B3GLCT-related disease. This variant is not present in population databases (ExAC no frequency). This sequence change replaces histidine with arginine at codon 323 of the B3GLCT protein (p.His323Arg). The histidine residue is highly conserved and there is a small physicochemical difference between histidine and arginine.

NM_194318.4(B3GLCT):c.968A>G (p.His323Arg)

Gene: B3GLCT (beta 3-glucosyltransferase; plus strand). Cytogenetic location: 13q12.3.
Variant type: single nucleotide variant.
Coding change: c.968A>G on transcript NM_194318.4 (MANE Select); coding-DNA position 968, A replaced by G.
Protein change: p.His323Arg; replaces histidine 323 with arginine.
Molecular consequence: missense variant.
Genome position (GRCh38, 1-based): chr13:31,286,723, A>G. VCF-style: chr13-31286723-A-G. GRCh37 (hg19) VCF-style: chr13-31860860-A-G.
Other names: short protein forms H323R.
Identifiers: ClinVar variation 566991 (VCV000566991.11), dbSNP rs1566082139, ClinGen allele CA387724954.
Genomic context (GRCh38, chr13:31,286,723, plus strand): 5'-ATTCTATATATTTTATAAGAAATAATACATTGTAAGTTTTTTTCTTGCCTTTTCTAGGTC[A>G]TTGTGGAAAGACATTTGCCATTTTGGAAAGATTTCTGAATCGTAGCCAGGACAAAACAGC-3'
Protein context (NP_919299.3, residues 313-333): DLGIPNTDRG[His323Arg]CGKTFAILER